The following is an entry in ClinVar:

NM_004360.5(CDH1):c.432C>T (p.Asn144=)

Gene: CDH1 (cadherin 1; plus strand). Cytogenetic location: 16q22.1.
Variant type: single nucleotide variant.
Coding change: c.432C>T on transcript NM_004360.5 (MANE Select); coding-DNA position 432, C replaced by T.
Protein change: p.Asn144=; no amino-acid change (asparagine 144 retained).
Molecular consequence: synonymous variant. On other transcripts: 5 prime UTR variant (2).
Genome position (GRCh38, 1-based): chr16:68,808,468, C>T. VCF-style: chr16-68808468-C-T. GRCh37 (hg19) VCF-style: chr16-68842371-C-T.
Other names: c.432C>T, p.Asn144= (NM_001317184.2); c.-1184C>T (NM_001317185.2); c.-1388C>T (NM_001317186.2).
Identifiers: ClinVar variation 919483 (VCV000919483.3), dbSNP rs1960726209, ClinGen allele CA496392178.

ClinVar aggregate classification (germline): Benign/Likely benign. Review status: criteria provided, multiple submitters, no conflicts (2 of 4 stars). 2 submissions from 2 submitters: Benign (1); Likely benign (1). Last evaluated 2024-09-13.

Conditions:
Hereditary cancer-predisposing syndrome. Also called: Hereditary Cancer Syndrome; Hereditary neoplastic syndrome; Neoplastic Syndromes, Hereditary; Tumor predisposition. Identifiers: Orphanet 140162, MedGen C0027672, MeSH D009386, MONDO:0015356.
Hereditary diffuse gastric adenocarcinoma (HDGC). Also called: DIFFUSE GASTRIC AND LOBULAR BREAST CANCER SYNDROME. Identifiers: Orphanet 26106, MedGen C1708349, MONDO:0007648, OMIM 137215.

Submissions (2):

Myriad Genetics, Inc.
Classification: Benign for Hereditary diffuse gastric adenocarcinoma. Last evaluated: 2024-09-13. Review status: criteria provided, single submitter. Criteria: Myriad Autosomal Dominant, Autosomal Recessive and X-Linked Classification Criteria (2023). Collection method: clinical testing. Allele origin: unknown.
Comment: This variant is considered benign. This variant is a silent/synonymous amino acid change and it is not expected to impact splicing.

Color Diagnostics, LLC DBA Color Health
Classification: Likely benign for Hereditary cancer-predisposing syndrome. Last evaluated: 2018-11-05. Review status: criteria provided, single submitter. Criteria: ACMG Guidelines, 2015. Collection method: clinical testing. Allele origin: germline.